The following is an entry in ClinVar:

NC_000021.9:g.(?_43058125)_(43065715_?)del

Gene: CBS (cystathionine beta-synthase; minus strand). Cytogenetic location: 21q22.3.
Variant type: Deletion.
Identifiers: ClinVar variation 471352 (VCV000471352.3).

ClinVar aggregate classification (germline): Pathogenic. Review status: criteria provided, single submitter (1 of 4 stars). 2 submissions from 1 submitter: Pathogenic (2). Last evaluated 2023-05-12.

Conditions:
HYPERHOMOCYSTEINEMIA, THROMBOTIC, CBS-RELATED. Identifiers: MedGen C3150344, OMIM 236200.
Classic homocystinuria. Also called: HOMOCYSTINURIA WITH OR WITHOUT RESPONSE TO PYRIDOXINE; Homocystinuria due to Cystathionine Beta-Synthase Deficiency; Homocystinuria due to CBS deficiency; Cystathionine beta-synthase deficiency; CBS deficiency. Identifiers: Orphanet 394, MedGen C0751202, MONDO:0009352, OMIM 236200.

Submissions (2):

Labcorp Genetics (formerly Invitae), Labcorp
Classification: Pathogenic for HYPERHOMOCYSTEINEMIA, THROMBOTIC, CBS-RELATED. Last evaluated: 2023-05-12. Review status: criteria provided, single submitter. Criteria: Invitae Variant Classification Sherloc (09022015). Collection method: clinical testing. Allele origin: unknown.
Comment: For these reasons, this variant has been classified as Pathogenic. This variant has not been reported in the literature in individuals affected with CBS-related conditions. This variant is a gross deletion of the genomic region encompassing exon(s) 6-15 of the CBS gene. This deletion is out-of-frame, and is expected to create a premature termination codon and result in an absent or disrupted protein product. Loss-of-function variants in CBS are known to be pathogenic (PMID: 10338090, 12124992).

Labcorp Genetics (formerly Invitae), Labcorp
Classification: Pathogenic for HYPERHOMOCYSTEINEMIA, THROMBOTIC, CBS-RELATED. Last evaluated: 2019-06-29. Review status: criteria provided, single submitter. Criteria: Invitae Variant Classification Sherloc (09022015). Collection method: clinical testing. Allele origin: germline.
Comment: This variant is an out-of-frame deletion of the genomic region encompassing exons 6-15 of the CBS gene. This is expected to create a premature translational stop signal and result in an absent or disrupted protein product. This variant has not been reported in the literature in individuals with CBS-related conditions. Loss-of-function variants in CBS are known to be pathogenic (PMID: 10338090, 12124992). For these reasons, this variant has been classified as Pathogenic.

Literature cited by the submitters: PubMed 10338090; PubMed 12124992.